The following is an entry in ClinVar:

NM_000287.4(PEX6):c.1534C>T (p.Gln512Ter)

Gene: PEX6 (peroxisomal biogenesis factor 6; minus strand). Cytogenetic location: 6p21.1.
Variant type: single nucleotide variant.
Coding change: c.1534C>T on transcript NM_000287.4 (MANE Select); coding-DNA position 1534, C replaced by T.
Protein change: p.Gln512Ter; replaces glutamine 512 with a stop codon.
Molecular consequence: nonsense. On other transcripts: non-coding transcript variant (1).
Genome position (GRCh38, 1-based): chr6:42,968,444, G>A on the plus strand (C>T on the coding strand, the complement: PEX6 is on the minus strand). VCF-style: chr6-42968444-G-A. GRCh37 (hg19) VCF-style: chr6-42936182-G-A.
Other names: c.1270C>T, p.Gln424Ter (NM_001316313.2); short protein forms Q424*, Q512*.
Identifiers: ClinVar variation 4765380 (VCV004765380.1).

ClinVar aggregate classification (germline): Pathogenic (1 of 4 stars; one submission).

Conditions:
Peroxisome biogenesis disorder. Identifiers: Orphanet 79189, MedGen C1832200, MONDO:0019234. Disease mechanism: loss of function.

Submission:

Labcorp Genetics (formerly Invitae), Labcorp
Classification: Pathogenic for Peroxisome biogenesis disorder. Last evaluated: 2025-05-15. Review status: criteria provided, single submitter. Criteria: Invitae Variant Classification Sherloc (09022015). Collection method: clinical testing. Allele origin: germline.
Comment: This sequence change creates a premature translational stop signal (p.Gln512*) in the PEX6 gene. It is expected to result in an absent or disrupted protein product. Loss-of-function variants in PEX6 are known to be pathogenic (PMID: 10408779, 21031596, 31831025). This variant is not present in population databases (gnomAD no frequency). This variant has not been reported in the literature in individuals affected with PEX6-related conditions. Algorithms developed to predict the effect of sequence changes on RNA splicing suggest that this variant may disrupt the consensus splice site. For these reasons, this variant has been classified as Pathogenic.

Literature cited by the submitters: PubMed 10408779; PubMed 21031596; PubMed 31831025.